The following is an entry in ClinVar:

NM_024577.4(SH3TC2):c.2433G>T (p.Gln811His)

Gene: SH3TC2 (SH3 domain and tetratricopeptide repeats 2; minus strand). Cytogenetic location: 5q32.
Variant type: single nucleotide variant.
Coding change: c.2433G>T on transcript NM_024577.4 (MANE Select); coding-DNA position 2433, G replaced by T.
Protein change: p.Gln811His; replaces glutamine 811 with histidine.
Molecular consequence: missense variant.
Genome position (GRCh38, 1-based): chr5:149,027,299, C>A on the plus strand (G>T on the coding strand, the complement: SH3TC2 is on the minus strand). VCF-style: chr5-149027299-C-A. GRCh37 (hg19) VCF-style: chr5-148406862-C-A.
Other names: short protein forms Q811H.
Identifiers: ClinVar variation 917193 (VCV000917193.9), dbSNP rs746538256, ClinGen allele CA3498999.

ClinVar aggregate classification (germline): Uncertain significance. Review status: criteria provided, multiple submitters, no conflicts (2 of 4 stars). 3 submissions from 3 submitters: Uncertain significance (3). Last evaluated 2024-03-16.

Conditions:
Charcot-Marie-Tooth disease. Also called: Charcot-Marie-Tooth Neuropathy; Charcot-Marie-Tooth Hereditary Neuropathy. Identifiers: Orphanet 166, MedGen C0007959, MONDO:0015626.
Charcot-Marie-Tooth disease type 4. Also called: Charcot-Marie-Tooth disease, type IV; Charcot-Marie-Tooth, Type 4. Identifiers: Orphanet 64749, MedGen C4082197, MONDO:0018995.

gnomAD v4.1: 50 of 1,613,968 alleles (0.0031%); highest among the groups gnomAD compares: Non-Finnish European, 0.0042%; no homozygotes.

Submissions (3):

Blueprint Genetics
Classification: Uncertain significance. Last evaluated: 2024-03-16. Review status: criteria provided, single submitter. Criteria: ACMG Guidelines, 2015. Collection method: clinical testing. Allele origin: germline.

Labcorp Genetics (formerly Invitae), Labcorp
Classification: Uncertain significance for Charcot-Marie-Tooth disease type 4. Last evaluated: 2021-08-28. Review status: criteria provided, single submitter. Criteria: Invitae Variant Classification Sherloc (09022015). Collection method: clinical testing. Allele origin: germline.
Comment: This sequence change replaces glutamine with histidine at codon 811 of the SH3TC2 protein (p.Gln811His). The glutamine residue is highly conserved and there is a small physicochemical difference between glutamine and histidine. This variant is present in population databases (rs746538256, ExAC 0.003%). This variant has not been reported in the literature in individuals affected with SH3TC2-related conditions. Algorithms developed to predict the effect of missense changes on protein structure and function are either unavailable or do not agree on the potential impact of this missense change (SIFT: "Deleterious"; PolyPhen-2: "Benign"; Align-GVGD: "Class C0"). In summary, the available evidence is currently insufficient to determine the role of this variant in disease. Therefore, it has been classified as a Variant of Uncertain Significance.

Molecular Genetics Laboratory, London Health Sciences Centre
Classification: Uncertain significance for Charcot-Marie-Tooth disease. Review status: criteria provided, single submitter. Criteria: ACMG Guidelines, 2015. Collection method: clinical testing. Allele origin: germline. Affected: yes.